The following is an entry in ClinVar:

NM_022725.4(FANCF):c.160A>G (p.Ile54Val)

Gene: FANCF (FA complementation group F; minus strand). Cytogenetic location: 11p14.3.
Variant type: single nucleotide variant.
Coding change: c.160A>G on transcript NM_022725.4 (MANE Select); coding-DNA position 160, A replaced by G.
Protein change: p.Ile54Val; replaces isoleucine 54 with valine.
Molecular consequence: missense variant.
Genome position (GRCh38, 1-based): chr11:22,625,651, T>C on the plus strand (A>G on the coding strand, the complement: FANCF is on the minus strand). VCF-style: chr11-22625651-T-C. GRCh37 (hg19) VCF-style: chr11-22647197-T-C.
Other names: short protein forms I54V.
Identifiers: ClinVar variation 1476080 (VCV001476080.6), dbSNP rs2133798534, ClinGen allele CA380059588.

ClinVar aggregate classification (germline): Uncertain significance (1 of 4 stars; one submission).

Conditions:
Fanconi anemia (FA). Also called: Fanconi's anemia. Identifiers: Orphanet 84, MedGen C0015625, MeSH D005199, MONDO:0019391.

Submission:

Labcorp Genetics (formerly Invitae), Labcorp
Classification: Uncertain significance for Fanconi anemia. Last evaluated: 2021-08-03. Review status: criteria provided, single submitter. Criteria: Invitae Variant Classification Sherloc (09022015). Collection method: clinical testing. Allele origin: germline.
Comment: In summary, the available evidence is currently insufficient to determine the role of this variant in disease. Therefore, it has been classified as a Variant of Uncertain Significance. Algorithms developed to predict the effect of missense changes on protein structure and function output the following: SIFT: "Tolerated"; PolyPhen-2: "Benign"; Align-GVGD: "Class C0". The valine amino acid residue is found in multiple mammalian species, which suggests that this missense change does not adversely affect protein function. This variant has not been reported in the literature in individuals affected with FANCF-related conditions. This variant is not present in population databases (ExAC no frequency). This sequence change replaces isoleucine with valine at codon 54 of the FANCF protein (p.Ile54Val). The isoleucine residue is weakly conserved and there is a small physicochemical difference between isoleucine and valine.